The following is an entry in ClinVar:

NC_000007.13:g.(?_35242042)_(35244214_?)dup

Gene: TBX20 (T-box transcription factor 20; minus strand). Cytogenetic location: 7p14.2.
Variant type: Duplication.
Identifiers: ClinVar variation 1373478 (VCV001373478.4).

ClinVar aggregate classification (germline): Uncertain significance (1 of 4 stars; one submission).

Submission:

Labcorp Genetics (formerly Invitae), Labcorp
Classification: Uncertain significance. Last evaluated: 2021-08-05. Review status: criteria provided, single submitter. Criteria: Invitae Variant Classification Sherloc (09022015). Collection method: clinical testing. Allele origin: germline.
Comment: In summary, the available evidence is currently insufficient to determine the role of this variant in disease. Therefore, it has been classified as a Variant of Uncertain Significance. Experimental studies and prediction algorithms are not available or were not evaluated, and the functional significance of this variant is currently unknown. This variant has not been reported in the literature in individuals affected with TBX20-related conditions. This variant results in a copy number gain of the genomic region encompassing exon(s) 7-8 of the TBX20 gene. This region includes the termination codon of the gene. This copy number gain extends beyond the assayed region for this gene and therefore may encompass additional genes. As the precise location of this event is unknown, it may be in tandem or it may be located elsewhere in the genome.